The following is an entry in ClinVar:

NM_170707.4(LMNA):c.571G>A (p.Val191Met)

Gene: LMNA (lamin A/C; plus strand). Cytogenetic location: 1q22.
Variant type: single nucleotide variant.
Coding change: c.571G>A on transcript NM_170707.4 (MANE Select); coding-DNA position 571, G replaced by A.
Protein change: p.Val191Met; replaces valine 191 with methionine.
Molecular consequence: missense variant.
Genome position (GRCh38, 1-based): chr1:156,134,460, G>A. VCF-style: chr1-156134460-G-A. GRCh37 (hg19) VCF-style: chr1-156104251-G-A.
Other names: c.235G>A, p.Val79Met (NM_001257374.3); c.328G>A, p.Val110Met (NM_001282624.2); c.571G>A, p.Val191Met (NM_001282625.2, NM_001282626.2, NM_005572.4 and 1 more transcripts); short protein forms V191M, V110M, V79M.
Identifiers: ClinVar variation 245677 (VCV000245677.5), dbSNP rs879253896, ClinGen allele CA10584121.

ClinVar aggregate classification (germline): Uncertain significance. Review status: criteria provided, multiple submitters, no conflicts (2 of 4 stars). 2 submissions from 2 submitters: Uncertain significance (2). Last evaluated 2025-05-20.

Conditions:
Charcot-Marie-Tooth disease. Also called: Charcot-Marie-Tooth Neuropathy; Charcot-Marie-Tooth Hereditary Neuropathy. Identifiers: Orphanet 166, MedGen C0007959, MONDO:0015626.

Allele frequency attached by ClinVar (database versions not stated): gnomAD exomes below 0.00001; gnomAD 0.00001; TOPMed 0.00001.

Submissions (2):

GeneDx
Classification: Uncertain significance. Last evaluated: 2025-05-20. Review status: criteria provided, single submitter. Criteria: GeneDx Variant Classification Process June 2021. Collection method: clinical testing. Allele origin: germline. Affected: yes.
Comment: Not observed at significant frequency in large population cohorts (gnomAD); In silico analysis supports that this missense variant has a deleterious effect on protein structure/function; Has not been previously published as pathogenic or benign to our knowledge; This variant is associated with the following publications: (PMID: 10939567)

Molecular Genetics Laboratory, London Health Sciences Centre
Classification: Uncertain significance for Charcot-Marie-Tooth disease. Review status: criteria provided, single submitter. Criteria: ACMG Guidelines, 2015. Collection method: clinical testing. Allele origin: germline. Affected: yes.